The following is an entry in ClinVar:

NM_006231.4(POLE):c.6709A>C (p.Ser2237Arg)

Gene: POLE (DNA polymerase epsilon, catalytic subunit; minus strand). Cytogenetic location: 12q24.33.
Variant type: single nucleotide variant.
Coding change: c.6709A>C on transcript NM_006231.4 (MANE Select); coding-DNA position 6709, A replaced by C.
Protein change: p.Ser2237Arg; replaces serine 2237 with arginine.
Molecular consequence: missense variant.
Genome position (GRCh38, 1-based): chr12:132,624,943, T>G on the plus strand (A>C on the coding strand, the complement: POLE is on the minus strand). VCF-style: chr12-132624943-T-G. GRCh37 (hg19) VCF-style: chr12-133201529-T-G.
Other names: short protein forms S2237R.
Identifiers: ClinVar variation 4862279 (VCV004862279.1).
Genomic context (GRCh38, chr12:132,624,943, plus strand): 5'-AGGCAGATGAGGGAGAGCCCACCTGGGTGTGGATGGTGAGGGCGAAGTCTCCCGCGCAGC[T>G]GCAGTACACAGGCATGCTGGTCTCCTTCACCCCGCGGCACTTCAGGCAGACCTGAAAGGG-3'
Protein context (NP_006222.2, residues 2227-2247): VKETSMPVYC[Ser2237Arg]CAGDFALTIH

ClinVar aggregate classification (germline): Uncertain significance (1 of 4 stars; one submission).

Conditions:
Hereditary cancer-predisposing syndrome. Also called: Neoplastic Syndromes, Hereditary; Tumor predisposition; Hereditary Cancer Syndrome; Hereditary neoplastic syndrome. Identifiers: Orphanet 140162, MedGen C0027672, MeSH D009386, MONDO:0015356.

Submission:

Ambry Genetics
Classification: Uncertain significance for Hereditary cancer-predisposing syndrome. Last evaluated: 2026-04-22. Review status: criteria provided, single submitter. Criteria: Ambry Variant Classification Scheme 2023. Collection method: clinical testing. Allele origin: germline.
Comment: The p.S2237R variant (also known as c.6709A>C), located in coding exon 48 of the POLE gene, results from an A to C substitution at nucleotide position 6709. The serine at codon 2237 is replaced by arginine, an amino acid with dissimilar properties. This amino acid position is conserved. In addition, this alteration is predicted to be tolerated by in silico analysis. Based on the available evidence, the clinical significance of this variant remains unclear.